The following is an entry in ClinVar:

ClinVar aggregate classification (germline): Likely benign. Review status: criteria provided, single submitter (1 of 4 stars). 2 submissions from 2 submitters: Likely benign (1). 1 of the submissions does not count toward it. Last evaluated 2025-11-16.

Conditions:
MPDZ-related disorder. Also called: MPDZ-related condition.

Allele frequency attached by ClinVar (database versions not stated): gnomAD 0.00041 and 0.00040; TOPMed 0.00042; ESP Exome Variant Server 0.00049; gnomAD exomes 0.00017; ExAC 0.00020; 1000 Genomes Project 30x 0.00031; 1000 Genomes Project 0.00040.
gnomAD v4.1: 276 of 1,613,440 alleles (0.017%); highest among the groups gnomAD compares: African/African-American, 0.1%; no homozygotes.

Submissions (2):

Labcorp Genetics (formerly Invitae), Labcorp
Classification: Likely benign. Last evaluated: 2025-11-16. Review status: criteria provided, single submitter. Criteria: Invitae Variant Classification Sherloc (09022015). Collection method: clinical testing. Allele origin: germline.

PreventionGenetics, part of Exact Sciences
Classification: Likely benign for MPDZ-related condition. Last evaluated: 2019-08-06. Review status: no assertion criteria provided. Collection method: clinical testing. Allele origin: germline. Not counted in ClinVar's aggregate classification.
Comment: This variant is classified as likely benign based on ACMG/AMP sequence variant interpretation guidelines (Richards et al. 2015 PMID: 25741868, with internal and published modifications).

NM_001378778.1(MPDZ):c.3900C>A (p.Pro1300=)

Gene: MPDZ (multiple PDZ domain crumbs cell polarity complex component; minus strand). Cytogenetic location: 9p23.
Variant type: single nucleotide variant.
Coding change: c.3900C>A on transcript NM_001378778.1 (MANE Select); coding-DNA position 3900, C replaced by A.
Protein change: p.Pro1300=; no amino-acid change (proline 1300 retained).
Molecular consequence: synonymous variant.
Genome position (GRCh38, 1-based): chr9:13,140,090, G>T on the plus strand (C>A on the coding strand, the complement: MPDZ is on the minus strand). VCF-style: chr9-13140090-G-T. GRCh37 (hg19) VCF-style: chr9-13140089-G-T.
Other names: c.3801C>A, p.Pro1267= (NM_001261406.2, NM_001261407.2, NM_001375416.1 and 3 more transcripts); c.3900C>A, p.Pro1300= (NM_001330637.2, NM_001375413.1, NM_003829.5); c.3690C>A, p.Pro1230= (NM_001375420.1, NM_001375421.1, NM_001375422.1 and 4 more transcripts); c.3492C>A, p.Pro1164= (NM_001375427.1); c.3900C>A (NM_003829.4).
Identifiers: ClinVar variation 1106622 (VCV001106622.11), dbSNP rs181931493, ClinGen allele CA4986916.